The following is an entry in ClinVar:

NM_000168.6(GLI3):c.1084C>G (p.Gln362Glu)

Gene: GLI3 (GLI family zinc finger 3; minus strand). Cytogenetic location: 7p14.1.
Variant type: single nucleotide variant.
Coding change: c.1084C>G on transcript NM_000168.6 (MANE Select); coding-DNA position 1084, C replaced by G.
Protein change: p.Gln362Glu; replaces glutamine 362 with glutamic acid.
Molecular consequence: missense variant.
Genome position (GRCh38, 1-based): chr7:42,026,357, G>C on the plus strand (C>G on the coding strand, the complement: GLI3 is on the minus strand). VCF-style: chr7-42026357-G-C. GRCh37 (hg19) VCF-style: chr7-42065956-G-C.
Other names: short protein forms Q362E.
Identifiers: ClinVar variation 1305732 (VCV001305732.3), dbSNP rs1789112690, ClinGen allele CA367327021.

ClinVar aggregate classification (germline): Uncertain significance (1 of 4 stars; one submission).

Allele frequency attached by ClinVar (database versions not stated): gnomAD exomes below 0.00001.
gnomAD v4.1: 2 of 1,614,208 alleles (0.00012%); highest among the groups gnomAD compares: East Asian, 0.0022%; no homozygotes.

Submission:

GeneDx
Classification: Uncertain significance. Last evaluated: 2025-04-16. Review status: criteria provided, single submitter. Criteria: GeneDx Variant Classification Process June 2021. Collection method: clinical testing. Allele origin: germline. Affected: yes.
Comment: Not observed at significant frequency in large population cohorts (gnomAD); In silico analysis supports that this missense variant has a deleterious effect on protein structure/function; Has not been previously published as pathogenic or benign to our knowledge